The following is an entry in ClinVar:

NM_001267550.2(TTN):c.27892A>G (p.Lys9298Glu)

Gene: TTN (titin; minus strand). Cytogenetic location: 2q31.2.
Variant type: single nucleotide variant.
Coding change: c.27892A>G on transcript NM_001267550.2 (MANE Select); coding-DNA position 27892, A replaced by G.
Protein change: p.Lys9298Glu; replaces lysine 9298 with glutamic acid.
Molecular consequence: missense variant. On other transcripts: intron variant (3).
Genome position (GRCh38, 1-based): chr2:178,711,344, T>C on the plus strand (A>G on the coding strand, the complement: TTN is on the minus strand). VCF-style: chr2-178711344-T-C. GRCh37 (hg19) VCF-style: chr2-179576071-T-C.
Other names: c.26941A>G, p.Lys8981Glu (NM_001256850.1); c.24160A>G, p.Lys8054Glu (NM_133378.4); c.13282+26738A>G (NM_003319.4); c.13858+26738A>G (NM_133437.4); c.13657+26738A>G (NM_133432.3); short protein forms K9298E, K8981E, K8054E.
Identifiers: ClinVar variation 4795559 (VCV004795559.1).

ClinVar aggregate classification (germline): Uncertain significance (1 of 4 stars; one submission).

gnomAD v4.1: 12 of 1,604,754 alleles (0.00075%); highest among the groups gnomAD compares: South Asian, 0.013%; no homozygotes.

Submission:

GeneDx
Classification: Uncertain significance. Last evaluated: 2025-08-13. Review status: criteria provided, single submitter. Criteria: GeneDx Variant Classification Process June 2021. Collection method: clinical testing. Allele origin: germline. Affected: yes.
Comment: Not observed at significant frequency in large population cohorts (gnomAD); Missense variant in a gene in which most reported pathogenic variants are truncating/loss of function; Has not been previously published as pathogenic or benign to our knowledge